The following is an entry in ClinVar:

NM_000052.7(ATP7A):c.4050G>T (p.Lys1350Asn)

Gene: ATP7A (ATPase copper transporting alpha; plus strand). Cytogenetic location: Xq21.1.
Variant type: single nucleotide variant.
Coding change: c.4050G>T on transcript NM_000052.7 (MANE Select); coding-DNA position 4050, G replaced by T.
Protein change: p.Lys1350Asn; replaces lysine 1350 with asparagine.
Molecular consequence: missense variant. On other transcripts: non-coding transcript variant (1).
Genome position (GRCh38, 1-based): chrX:78,043,361, G>T. VCF-style: chrX-78043361-G-T. GRCh37 (hg19) VCF-style: chrX-77298859-G-T.
Other names: c.3816G>T, p.Lys1272Asn (NM_001282224.2); short protein forms K1272N, K1350N.
Identifiers: ClinVar variation 2418830 (VCV002418830.7), dbSNP rs2522421063, ClinGen allele CA413605559.
Genomic context (GRCh38, chrX:78,043,361, plus strand): 5'-ATATTTCTGTTCTTAGAATGATCTTCTGGATGTAGTGGCAAGTATTGACTTATCAAGAAA[G>T]ACAGTCAAGAGGATTCGGATAAATTTTGTCTTTGCTCTAATTTATAATCTGGTTGGAATT-3'
Protein context (NP_000043.4, residues 1340-1360): DVVASIDLSR[Lys1350Asn]TVKRIRINFV

ClinVar aggregate classification (germline): Uncertain significance (1 of 4 stars; one submission).

Conditions:
X-linked distal spinal muscular atrophy type 3. Also called: NEURONOPATHY, DISTAL HEREDITARY MOTOR, X-LINKED; NEUROPATHY, DISTAL HEREDITARY MOTOR, X-LINKED; ATP7A-Related Distal Motor Neuropathy; SPINAL MUSCULAR ATROPHY, DISTAL, X-LINKED RECESSIVE. Identifiers: Orphanet 139557, MedGen C1845359, MONDO:0010338, OMIM 300489.
Menkes kinky-hair syndrome (MNK). Also called: Classic Menkes Disease; Copper transport disease; Menkes Disease. Identifiers: Orphanet 565, MedGen C0022716, MONDO:0010651, OMIM 309400.
Cutis laxa, X-linked (OHS). Also called: EDS IX; Occipital horn syndrome. Identifiers: Orphanet 198, MedGen C0268353, MONDO:0010572, OMIM 304150.

Allele frequency attached by ClinVar (database versions not stated): gnomAD exomes below 0.00001.
gnomAD v4.1: 3 of 1,208,883 alleles (0.00025%); highest among the groups gnomAD compares: Non-Finnish European, 0.00022%; no homozygotes.

Submission:

Labcorp Genetics (formerly Invitae), Labcorp
Classification: Uncertain significance for X-linked distal spinal muscular atrophy type 3; Cutis laxa, X-linked; Menkes kinky-hair syndrome. Last evaluated: 2022-07-21. Review status: criteria provided, single submitter. Criteria: Invitae Variant Classification Sherloc (09022015). Collection method: clinical testing. Allele origin: germline.
Comment: In summary, the available evidence is currently insufficient to determine the role of this variant in disease. Therefore, it has been classified as a Variant of Uncertain Significance. Advanced modeling of protein sequence and biophysical properties (such as structural, functional, and spatial information, amino acid conservation, physicochemical variation, residue mobility, and thermodynamic stability) performed at Invitae indicates that this missense variant is not expected to disrupt ATP7A protein function. This variant has not been reported in the literature in individuals affected with ATP7A-related conditions. This variant is not present in population databases (gnomAD no frequency). This sequence change replaces lysine, which is basic and polar, with asparagine, which is neutral and polar, at codon 1350 of the ATP7A protein (p.Lys1350Asn).